The following is an entry in ClinVar:

NM_000548.5(TSC2):c.4232G>A (p.Ser1411Asn)

Gene: TSC2 (TSC complex subunit 2; plus strand). Cytogenetic location: 16p13.3.
Variant type: single nucleotide variant.
Coding change: c.4232G>A on transcript NM_000548.5 (MANE Select); coding-DNA position 4232, G replaced by A.
Protein change: p.Ser1411Asn; replaces serine 1411 with asparagine.
Molecular consequence: missense variant.
Genome position (GRCh38, 1-based): chr16:2,084,454, G>A. VCF-style: chr16-2084454-G-A. GRCh37 (hg19) VCF-style: chr16-2134455-G-A.
Other names: p.Ser1411Asn; c.4163G>A, p.Ser1388Asn (NM_001114382.3); c.3923G>A, p.Ser1308Asn (NM_001318827.2); c.3887G>A, p.Ser1296Asn (NM_001318829.2); c.3500G>A, p.Ser1167Asn (NM_001318831.2); c.4064G>A, p.Ser1355Asn (NM_001318832.2); c.4034G>A, p.Ser1345Asn (NM_001363528.2); c.4100G>A, p.Ser1367Asn (NM_001370404.1); and 2 more; short protein forms S1411N, S1308N, S1355N, S1388N, S1167N, S1296N, S1344N, S1345N.
Identifiers: ClinVar variation 579558 (VCV000579558.15), dbSNP rs1267811475, ClinGen allele CA394300256.

ClinVar aggregate classification (germline): Uncertain significance. Review status: criteria provided, multiple submitters, no conflicts (2 of 4 stars). 6 submissions from 6 submitters: Uncertain significance (6). Last evaluated 2025-10-07.

Conditions:
Isolated focal cortical dysplasia type II (FCORD2). Also called: Focal cortical dysplasia type II; CORTICAL DYSPLASIA OF TAYLOR. Identifiers: Orphanet 268994, MedGen C1846385, MONDO:0011818, OMIM 607341, HP:0032051.
Lymphangiomyomatosis (LAM). Also called: Lymphangioleiomyomatosis; Lymphangioleiomyomatosis, somatic. Identifiers: Orphanet 538, MedGen C0751674, MONDO:0011705, OMIM 606690.
Tuberous sclerosis 2 (TSC2). Identifiers: Orphanet 805, MedGen C1860707, MONDO:0013199, OMIM 613254.
Hereditary cancer-predisposing syndrome. Also called: Hereditary neoplastic syndrome; Tumor predisposition; Hereditary Cancer Syndrome; Neoplastic Syndromes, Hereditary. Identifiers: Orphanet 140162, MedGen C0027672, MeSH D009386, MONDO:0015356.

Allele frequency attached by ClinVar (database versions not stated): TOPMed below 0.00001; gnomAD 0.00001.
gnomAD v4.1: 1 of 1,609,258 alleles (0.000062%); highest among the groups gnomAD compares: African/African-American, 0.0013%; no homozygotes.

Submissions (6):

Labcorp Genetics (formerly Invitae), Labcorp
Classification: Uncertain significance for Tuberous sclerosis 2. Last evaluated: 2025-10-07. Review status: criteria provided, single submitter. Criteria: Invitae Variant Classification Sherloc (09022015). Collection method: clinical testing. Allele origin: germline.
Comment: This sequence change replaces serine, which is neutral and polar, with asparagine, which is neutral and polar, at codon 1411 of the TSC2 protein (p.Ser1411Asn). This variant is not present in population databases (gnomAD no frequency). This variant has not been reported in the literature in individuals affected with TSC2-related conditions. ClinVar contains an entry for this variant (Variation ID: 579558). Invitae Evidence Modeling of protein sequence and biophysical properties (such as structural, functional, and spatial information, amino acid conservation, physicochemical variation, residue mobility, and thermodynamic stability) indicates that this missense variant is not expected to disrupt TSC2 protein function with a negative predictive value of 95%. In summary, the available evidence is currently insufficient to determine the role of this variant in disease. Therefore, it has been classified as a Variant of Uncertain Significance.

Ambry Genetics
Classification: Uncertain significance for Hereditary cancer-predisposing syndrome. Last evaluated: 2025-07-07. Review status: criteria provided, single submitter. Criteria: Ambry Variant Classification Scheme 2023. Collection method: clinical testing. Allele origin: germline.
Comment: The p.S1411N variant (also known as c.4232G>A), located in coding exon 33 of the TSC2 gene, results from a G to A substitution at nucleotide position 4232. The serine at codon 1411 is replaced by asparagine, an amino acid with highly similar properties. This amino acid position is highly conserved in available vertebrate species. In addition, the in silico prediction for this alteration is inconclusive. Since supporting evidence is limited at this time, the clinical significance of this alteration remains unclear.

Mayo Clinic Laboratories, Mayo Clinic
Classification: Uncertain significance. Last evaluated: 2024-04-05. Review status: criteria provided, single submitter. Criteria: ACMG Guidelines, 2015. Collection method: clinical testing. Allele origin: germline. Observed: 1 variant allele.

Baylor Genetics
Classification: Uncertain significance for Isolated focal cortical dysplasia type II. Last evaluated: 2023-09-11. Review status: criteria provided, single submitter. Criteria: ACMG Guidelines, 2015. Collection method: clinical testing. Allele origin: unknown.

GeneDx
Classification: Uncertain significance. Last evaluated: 2023-09-11. Review status: criteria provided, single submitter. Criteria: GeneDx Variant Classification Process June 2021. Collection method: clinical testing. Allele origin: germline. Affected: yes.
Comment: Not observed at significant frequency in large population cohorts (gnomAD); In silico analysis supports that this missense variant does not alter protein structure/function; Has not been previously published as pathogenic or benign to our knowledge; This variant is associated with the following publications: (PMID: 25925381)

Fulgent Genetics
Classification: Uncertain significance for Lymphangiomyomatosis; Isolated focal cortical dysplasia type II; Tuberous sclerosis 2. Last evaluated: 2021-11-15. Review status: criteria provided, single submitter. Criteria: ACMG Guidelines, 2015. Collection method: clinical testing. Allele origin: unknown.